The following is an entry in ClinVar:

ClinVar aggregate classification (germline): Uncertain significance. Review status: criteria provided, multiple submitters, no conflicts (2 of 4 stars). 2 submissions from 2 submitters: Uncertain significance (2). Last evaluated 2025-06-08.

Conditions:
Inborn genetic diseases. Identifiers: MedGen C0950123, MeSH D030342.

Allele frequency attached by ClinVar (database versions not stated): TOPMed 0.00001; gnomAD 0.00002; gnomAD exomes 0.00001; ExAC 0.00002.

Submissions (2):

Ambry Genetics
Classification: Uncertain significance for Inborn genetic diseases. Last evaluated: 2025-06-08. Review status: criteria provided, single submitter. Criteria: Ambry Variant Classification Scheme 2023. Collection method: clinical testing. Allele origin: germline.

Labcorp Genetics (formerly Invitae), Labcorp
Classification: Uncertain significance. Last evaluated: 2022-05-27. Review status: criteria provided, single submitter. Criteria: Invitae Variant Classification Sherloc (09022015). Collection method: clinical testing. Allele origin: germline.
Comment: This sequence change replaces methionine, which is neutral and non-polar, with isoleucine, which is neutral and non-polar, at codon 183 of the PDE6A protein (p.Met183Ile). This variant is present in population databases (rs770121117, gnomAD 0.004%). This variant has not been reported in the literature in individuals affected with PDE6A-related conditions. ClinVar contains an entry for this variant (Variation ID: 964894). Algorithms developed to predict the effect of missense changes on protein structure and function are either unavailable or do not agree on the potential impact of this missense change (SIFT: "Deleterious"; PolyPhen-2: "Probably Damaging"; Align-GVGD: "Class C0"). In summary, the available evidence is currently insufficient to determine the role of this variant in disease. Therefore, it has been classified as a Variant of Uncertain Significance.

NM_000440.3(PDE6A):c.549G>T (p.Met183Ile)

Gene: PDE6A (phosphodiesterase 6A; minus strand). Cytogenetic location: 5q32.
Variant type: single nucleotide variant.
Coding change: c.549G>T on transcript NM_000440.3 (MANE Select); coding-DNA position 549, G replaced by T.
Protein change: p.Met183Ile; replaces methionine 183 with isoleucine.
Molecular consequence: missense variant.
Genome position (GRCh38, 1-based): chr5:149,934,644, C>A on the plus strand (G>T on the coding strand, the complement: PDE6A is on the minus strand). VCF-style: chr5-149934644-C-A. GRCh37 (hg19) VCF-style: chr5-149314207-C-A.
Other names: short protein forms M183I.
Identifiers: ClinVar variation 964894 (VCV000964894.8), dbSNP rs770121117, ClinGen allele CA3505021.